The following is an entry in ClinVar:

ClinVar aggregate classification (germline): Pathogenic (3 of 4 stars; one submission).

Conditions:
Glanzmann thrombasthenia. Also called: PLATELET GLYCOPROTEIN IIb-IIIa DEFICIENCY; BLEEDING DISORDER, PLATELET-TYPE, 2; THROMBASTHENIA OF GLANZMANN AND NAEGELI; Thrombasthenia; Glanzmann's thrombasthenia. Identifiers: Orphanet 849, MedGen C0040015, MONDO:0100326.

Submission:

ClinGen Platelet Disorders Variant Curation Expert Panel, ClinGen
Classification: Pathogenic for Glanzmann thrombasthenia. Last evaluated: 2022-12-01. Review status: reviewed by expert panel. Criteria: ClinGen Platelet ACMG Specifications v2-1. Collection method: curation. Allele origin: germline. Inheritance: Autosomal recessive inheritance.
Comment: NM_000419.5(ITGA2B):c.1071dup (p.Arg358AlafsTer47) found in a homozygous proband (PMID:31029159; PM3_supporting) causes a premature stop codon at exon 13 and is predicted to undergo nonsense mediated decay (PVS1). The variant was not found in gnomAD v2.1.1 (PM2_supporting). In conclusion the criteria PSV1, PM2_supporting, and PM3_supporting, were applied to reach a classification of pathogenic.

NM_000419.5(ITGA2B):c.1071dup (p.Arg358fs)

Gene: ITGA2B (integrin subunit alpha 2b; minus strand). Cytogenetic location: 17q21.31.
Variant type: Duplication.
Coding change: c.1071dup on transcript NM_000419.5 (MANE Select); coding-DNA position 1071, one base duplicated (G; older notation c.1071dupG).
Protein change: p.Arg358fs; shifts the reading frame from arginine 358.
Molecular consequence: frameshift variant.
Genome position (GRCh38, 1-based): chr17:44,383,632, C duplicated on the plus strand (G on the coding strand, the reverse complement: ITGA2B is on the minus strand); the first of 4 consecutive C bases (chr17:44,383,632-44,383,635); duplicating any one gives the same sequence. VCF-style (leftmost placement, unchanged base first): chr17-44383631-G-GC. GRCh37 (hg19) VCF-style: chr17-42460999-G-GC.
Other names: NM_000419.5:c.1071dup; short protein forms R358fs.
Identifiers: ClinVar variation 1879060 (VCV001879060.1), dbSNP rs2510082300, ClinGen allele CA915940225.